The following is an entry in ClinVar:

ClinVar aggregate classification (germline): Pathogenic (1 of 4 stars; one submission).

Submission:

Labcorp Genetics (formerly Invitae), Labcorp
Classification: Pathogenic. Last evaluated: 2019-03-12. Review status: criteria provided, single submitter. Criteria: Invitae Variant Classification Sherloc (09022015). Collection method: clinical testing. Allele origin: germline.
Comment: For these reasons, this variant has been classified as Pathogenic. Loss-of-function variants in CDK10 are known to be pathogenic (PMID: 28886341). This variant has not been reported in the literature in individuals with CDK10-related disease. This variant is a gross deletion of the genomic region encompassing exons 1-6 of the CDK10 gene, which includes the initiator codon. The 5' end of this event is unknown as it extends beyond the assayed region for this gene and therefore may encompass additional genes. The 3' boundary is likely confined to intron 6 of the CDK10 gene. This is expected to result in an absent or disrupted protein product.

Literature cited by the submitters: PubMed 28886341.

NC_000016.10:g.(?_89685346)_(89692516_?)del

Genes: CDK10 (cyclin dependent kinase 10; plus strand), LINC02166 (long intergenic non-protein coding RNA 2166; minus strand), LOC130059829 (ATAC-STARR-seq lymphoblastoid silent region 7919; plus strand). Cytogenetic location: 16q24.3.
Variant type: Deletion.
Identifiers: ClinVar variation 640982 (VCV000640982.8).